The following is an entry in ClinVar:

ClinVar aggregate classification (germline): Uncertain significance (1 of 4 stars; one submission).

Conditions:
Acute myeloid leukemia (AML). Also called: Acute myeloid leukemia, adult; AML adult; Acute non-lymphocytic leukemia; Acute granulocytic leukemia; Leukemia, acute myeloid, somatic; Leukemia, acute myelogenous, somatic. Identifiers: Orphanet 519, MedGen C0023467, MeSH D015470, MONDO:0018874, OMIM 601626, HP:0004808. Disease mechanism: Constitutively activated FLT3.

Allele frequency attached by ClinVar (database versions not stated): TOPMed below 0.00001; gnomAD exomes 0.00001.
gnomAD v4.1: 1 of 1,135,756 alleles (0.000088%); highest among the groups gnomAD compares: Non-Finnish European, 0.00011%; no homozygotes.

Submission:

Labcorp Genetics (formerly Invitae), Labcorp
Classification: Uncertain significance for Acute myeloid leukemia. Last evaluated: 2023-04-07. Review status: criteria provided, single submitter. Criteria: Invitae Variant Classification Sherloc (09022015). Collection method: clinical testing. Allele origin: germline.
Comment: This sequence change replaces isoleucine, which is neutral and non-polar, with valine, which is neutral and non-polar, at codon 160 of the CEBPA protein (p.Ile160Val). This variant is not present in population databases (gnomAD no frequency). This variant has not been reported in the literature in individuals affected with CEBPA-related conditions. Advanced modeling of protein sequence and biophysical properties (such as structural, functional, and spatial information, amino acid conservation, physicochemical variation, residue mobility, and thermodynamic stability) performed at Invitae indicates that this missense variant is not expected to disrupt CEBPA protein function. In summary, the available evidence is currently insufficient to determine the role of this variant in disease. Therefore, it has been classified as a Variant of Uncertain Significance.

NM_004364.5(CEBPA):c.478A>G (p.Ile160Val)

Gene: CEBPA (CCAAT enhancer binding protein alpha; minus strand). Cytogenetic location: 19q13.11.
Variant type: single nucleotide variant.
Coding change: c.478A>G on transcript NM_004364.5 (MANE Select); coding-DNA position 478, A replaced by G.
Protein change: p.Ile160Val; replaces isoleucine 160 with valine.
Molecular consequence: missense variant.
Genome position (GRCh38, 1-based): chr19:33,301,937, T>C on the plus strand (A>G on the coding strand, the complement: CEBPA is on the minus strand). VCF-style: chr19-33301937-T-C. GRCh37 (hg19) VCF-style: chr19-33792843-T-C.
Other names: c.121A>G, p.Ile41Val (NM_001285829.2); c.583A>G, p.Ile195Val (NM_001287424.2); c.436A>G, p.Ile146Val (NM_001287435.2); short protein forms I41V, I146V, I160V, I195V.
Identifiers: ClinVar variation 2730092 (VCV002730092.3), dbSNP rs1283962729, ClinGen allele CA405274874.
Genomic context (GRCh38, chr19:33,301,937, plus strand): 5'-GGAAGAGGCCGGCCAGCGCCAGCTGCTTGGCTTCATCCTCCTCGCGGGGCTCCTGCTTGA[T>C]CACCAGCGGCCGCAGCGCCGGCGCCCCGACGCGCTCGTACAGGGGCTCCAGCCTGCCGTC-3'
Protein context (NP_004355.2, residues 150-170): VGAPALRPLV[Ile160Val]KQEPREEDEA